The following is an entry in ClinVar:

ClinVar aggregate classification (germline): Uncertain significance. Review status: criteria provided, multiple submitters, no conflicts (2 of 4 stars). 7 submissions from 7 submitters: Uncertain significance (6). 1 of the submissions does not count toward it. Last evaluated 2025-11-03.

Conditions:
CFTR-related disorder (CFTR-RD). Also called: CFTR-related disorders; CFTR-related condition. Identifiers: MedGen C5924204, MONDO:7770004.
Cystic fibrosis (CF). Also called: MUCOVISCIDOSIS. Identifiers: Orphanet 586, MedGen C0010674, MONDO:0009061, OMIM 219700. Disease mechanism: loss of function.
Bronchiectasis with or without elevated sweat chloride 1 (BESC1). Also called: Cystic Fibrosis-Like Syndrome. Identifiers: Orphanet 60033, MedGen C2749757, MONDO:0008887, OMIM 211400.
Congenital bilateral aplasia of vas deferens from CFTR mutation (CBAVD). Identifiers: Orphanet 48, MedGen C0403814, MONDO:0010178, OMIM 277180. Disease mechanism: loss of function.
Hereditary pancreatitis (PCTT). Also called: PRSS1-Related Hereditary Pancreatitis; Hereditary chronic pancreatitis. Identifiers: Orphanet 676, MedGen C0238339, MONDO:0008185, OMIM 167800.

Allele frequency attached by ClinVar (database versions not stated): TOPMed 0.00003; gnomAD 0.00006.
gnomAD v4.1: 324 of 1,613,746 alleles (0.02%); highest among the groups gnomAD compares: Non-Finnish European, 0.027%; no homozygotes.

Submissions (7):

Women's Health and Genetics/Laboratory Corporation of America, LabCorp
Classification: Uncertain significance. Last evaluated: 2025-11-03. Review status: criteria provided, single submitter. Criteria: LabCorp Variant Classification Summary - May 2015. Collection method: clinical testing. Allele origin: germline.
Comment: Variant summary: CFTR c.41A>T (p.Lys14Ile) results in a non-conservative amino acid change in the encoded protein sequence. Algorithms developed to predict the effect of missense changes on protein structure and function are either unavailable or do not agree on the potential impact of this missense change. The variant allele was found at a frequency of 3.6e-05 in 250840 control chromosomes. The available data on variant occurrences in the general population are insufficient to allow any conclusion about variant significance. To our knowledge, no occurrence of c.41A>T in individuals affected with CFTR-related conditions and no experimental evidence demonstrating its impact on protein function have been reported. ClinVar contains an entry for this variant (Variation ID: 495946). Based on the evidence outlined above, the variant was classified as uncertain significance.

Labcorp Genetics (formerly Invitae), Labcorp
Classification: Uncertain significance for Cystic fibrosis. Last evaluated: 2025-09-04. Review status: criteria provided, single submitter. Criteria: Invitae Variant Classification Sherloc (09022015). Collection method: clinical testing. Allele origin: germline.
Comment: This sequence change replaces lysine, which is basic and polar, with isoleucine, which is neutral and non-polar, at codon 14 of the CFTR protein (p.Lys14Ile). This variant is present in population databases (rs772774651, gnomAD 0.009%). This variant has not been reported in the literature in individuals affected with CFTR-related conditions. ClinVar contains an entry for this variant (Variation ID: 495946). Invitae Evidence Modeling of protein sequence and biophysical properties (such as structural, functional, and spatial information, amino acid conservation, physicochemical variation, residue mobility, and thermodynamic stability) has been performed for this missense variant. However, the output from this modeling did not meet the statistical confidence thresholds required to predict the impact of this variant on CFTR protein function. In summary, the available evidence is currently insufficient to determine the role of this variant in disease. Therefore, it has been classified as a Variant of Uncertain Significance.

Ambry Genetics
Classification: Uncertain significance for Cystic fibrosis. Last evaluated: 2024-09-22. Review status: criteria provided, single submitter. Criteria: Ambry Variant Classification Scheme 2023. Collection method: clinical testing. Allele origin: germline.
Comment: The p.K14I variant (also known as c.41A>T), located in coding exon 1 of the CFTR gene, results from an A to T substitution at nucleotide position 41. The lysine at codon 14 is replaced by isoleucine, an amino acid with dissimilar properties. This amino acid position is highly conserved in available vertebrate species. In addition, the in silico prediction for this alteration is inconclusive. Based on the available evidence, the clinical significance of this variant remains unclear.

Fulgent Genetics
Classification: Uncertain significance for Hereditary pancreatitis; Bronchiectasis with or without elevated sweat chloride 1; Cystic fibrosis; Congenital bilateral aplasia of vas deferens from CFTR mutation. Last evaluated: 2022-01-18. Review status: criteria provided, single submitter. Criteria: ACMG Guidelines, 2015. Collection method: clinical testing. Allele origin: unknown.

Genome-Nilou Lab
Classification: Uncertain significance for Cystic fibrosis. Last evaluated: 2021-09-05. Review status: criteria provided, single submitter. Criteria: ACMG Guidelines, 2015. Collection method: clinical testing. Allele origin: germline. Affected: no.

ARUP Laboratories, Molecular Genetics and Genomics, ARUP Laboratories
Classification: Uncertain significance. Last evaluated: 2020-07-20. Review status: criteria provided, single submitter. Criteria: ARUP Molecular Germline Variant Investigation Process. Collection method: clinical testing. Allele origin: germline.
Comment: The CFTR c.41A>T; p.Lys14Ile variant (rs772774651), to our knowledge, is not reported in the medical literature but is reported in ClinVar (Variation ID: 495946). This variant is found in the non-Finnish European population with an overall allele frequency of 0.01% (11/128582 alleles) in the Genome Aggregation Database. The lysine at codon 14 is moderately conserved, and computational analyses (SIFT: damaging, PolyPhen-2: benign) predict conflicting effects of this variant on protein structure/function. However, due to limited information, the clinical significance of the p.Lys14Ile variant is uncertain at this time.

Natera, Inc.
Classification: Uncertain significance for CFTR-related disorders. Last evaluated: 2018-07-03. Review status: no assertion criteria provided. Collection method: clinical testing. Allele origin: germline. Not counted in ClinVar's aggregate classification.

NM_000492.4(CFTR):c.41A>T (p.Lys14Ile)

Gene: CFTR (CF transmembrane conductance regulator; plus strand). Cytogenetic location: 7q31.2.
Variant type: single nucleotide variant.
Coding change: c.41A>T on transcript NM_000492.4 (MANE Select); coding-DNA position 41, A replaced by T.
Protein change: p.Lys14Ile; replaces lysine 14 with isoleucine.
Molecular consequence: missense variant.
Genome position (GRCh38, 1-based): chr7:117,480,135, A>T. VCF-style: chr7-117480135-A-T. GRCh37 (hg19) VCF-style: chr7-117120189-A-T.
Other names: short protein forms K14I.
Identifiers: ClinVar variation 495946 (VCV000495946.24), dbSNP rs772774651, ClinGen allele CA164948959.